The following is an entry in ClinVar:

ClinVar aggregate classification (germline): Uncertain significance (1 of 4 stars; one submission).

Allele frequency attached by ClinVar (database versions not stated): gnomAD exomes 0.00001; ExAC 0.00002.
gnomAD v4.1: 11 of 1,613,936 alleles (0.00068%); highest among the groups gnomAD compares: South Asian, 0.0033%; no homozygotes.

Submission:

CeGaT Center for Human Genetics Tuebingen
Classification: Uncertain significance. Last evaluated: 2022-09-01. Review status: criteria provided, single submitter. Criteria: CeGaT Center For Human Genetics Tuebingen Variant Classification Criteria Version 2. Collection method: clinical testing. Allele origin: germline. Affected: yes. Observed: 1 variant allele.
Comment: SYNE1: PM2

NM_182961.4(SYNE1):c.463G>A (p.Val155Met)

Gene: SYNE1 (spectrin repeat containing nuclear envelope protein 1; minus strand). Cytogenetic location: 6q25.2.
Variant type: single nucleotide variant.
Coding change: c.463G>A on transcript NM_182961.4 (MANE Select); coding-DNA position 463, G replaced by A.
Protein change: p.Val155Met; replaces valine 155 with methionine.
Molecular consequence: missense variant.
Genome position (GRCh38, 1-based): chr6:152,510,311, C>T on the plus strand (G>A on the coding strand, the complement: SYNE1 is on the minus strand). VCF-style: chr6-152510311-C-T. GRCh37 (hg19) VCF-style: chr6-152831446-C-T.
Other names: c.484G>A, p.Val162Met (NM_033071.5); short protein forms V155M, V162M.
Identifiers: ClinVar variation 2657039 (VCV002657039.24), dbSNP rs774342833, ClinGen allele CA4059719.